The following is an entry in ClinVar:

ClinVar aggregate classification (germline): Pathogenic/Likely pathogenic. Review status: criteria provided, multiple submitters, no conflicts (2 of 4 stars). 2 submissions from 2 submitters: Pathogenic (1); Likely pathogenic (1). Last evaluated 2019-02-13.

Conditions:
Intellectual developmental disorder, autosomal dominant 57. Also called: MENTAL RETARDATION, AUTOSOMAL DOMINANT 57; Intellectual disability, autosomal dominant 57. Identifiers: MedGen C4748003, MONDO:0054837, OMIM 618050.

Submissions (2):

Laboratory of Molecular Genetics (Pr. Bezieau's lab), CHU de Nantes
Classification: Likely pathogenic. Last evaluated: 2019-02-13. Review status: criteria provided, single submitter. Criteria: ACMG Guidelines, 2015. Collection method: clinical testing. Allele origin: germline. Affected: yes.

SIB Swiss Institute of Bioinformatics
Classification: Pathogenic for Intellectual developmental disorder, autosomal dominant 57. Last evaluated: 2018-10-15. Review status: criteria provided, single submitter. Criteria: ACMG Guidelines, 2015. Collection method: curation. Allele origin: germline.
Comment: This variant is interpreted as Pathogenic, for Mental retardation, autosomal dominant 57. The following ACMG Tag(s) were applied: PM6 => Assumed de novo, but without confirmation of paternity and maternity (PubMed 29861108). PM2 => Absent from controls (or at extremely low frequency if recessive) in Exome Sequencing Project, 1000 Genomes Project, or Exome Aggregation Consortium. PVS1 => Predicted nullvariant in a gene where LOF is a known mechanism of disease (PubMed 29861108).

Literature cited by the submitters: PubMed 29861108 (cited by SIB Swiss Institute of Bioinformatics).

NM_006852.6(TLK2):c.777C>A (p.Tyr259Ter)

Gene: TLK2 (tousled like kinase 2; plus strand). Cytogenetic location: 17q23.2.
Variant type: single nucleotide variant.
Coding change: c.777C>A on transcript NM_006852.6 (MANE Select); coding-DNA position 777, C replaced by A.
Protein change: p.Tyr259Ter; replaces tyrosine 259 with a stop codon.
Molecular consequence: nonsense.
Genome position (GRCh38, 1-based): chr17:62,560,072, C>A. VCF-style: chr17-62560072-C-A. GRCh37 (hg19) VCF-style: chr17-60637433-C-A.
Other names: c.777C>A, p.Tyr259Ter (NM_001284333.3, NM_001375270.1, NM_001375271.1); c.681C>A, p.Tyr227Ter (NM_001284363.1, NM_001375272.1); c.330C>A, p.Tyr110Ter (NM_001330418.3, NM_001375273.1); c.819C>A, p.Tyr273Ter (NM_001375269.1); short protein forms Y110*, Y227*, Y259*, Y273*.
Identifiers: ClinVar variation 617921 (VCV000617921.2), dbSNP rs1567920106, ClinGen allele CA400498031.